The following is an entry in ClinVar:

ClinVar aggregate classification (germline): Uncertain significance. Review status: criteria provided, multiple submitters, no conflicts (2 of 4 stars). 4 submissions from 4 submitters: Uncertain significance (4). Last evaluated 2025-07-29.

Conditions:
Multiple endocrine neoplasia, type 2 (MEN2). Identifiers: Orphanet 653, MedGen C4048306, MONDO:0019003. Disease mechanism: gain of function.
Hereditary cancer-predisposing syndrome. Also called: Neoplastic Syndromes, Hereditary; Hereditary Cancer Syndrome; Hereditary neoplastic syndrome; Tumor predisposition. Identifiers: Orphanet 140162, MedGen C0027672, MeSH D009386, MONDO:0015356.

Submissions (4):

Color Diagnostics, LLC DBA Color Health
Classification: Uncertain significance for Multiple endocrine neoplasia, type 2. Last evaluated: 2025-07-29. Review status: criteria provided, single submitter. Criteria: ACMG Guidelines, 2015. Collection method: clinical testing. Allele origin: germline.
Comment: This missense variant replaces alanine with valine at codon 793 of the RET protein. Computational prediction suggests that this variant may have deleterious impact on protein structure and function. To our knowledge, functional studies have not been reported for this variant. This variant has not been reported in individuals affected with RET-related disorders in the literature. This variant has not been identified in the general population by the Genome Aggregation Database (gnomAD). The available evidence is insufficient to determine the role of this variant in disease conclusively. Therefore, this variant is classified as a Variant of Uncertain Significance.

Ambry Genetics
Classification: Uncertain significance for Hereditary cancer-predisposing syndrome. Last evaluated: 2025-07-22. Review status: criteria provided, single submitter. Criteria: Ambry Variant Classification Scheme 2023. Collection method: clinical testing. Allele origin: germline.
Comment: The p.A793V variant (also known as c.2378C>T), located in coding exon 13 of the RET gene, results from a C to T substitution at nucleotide position 2378. The alanine at codon 793 is replaced by valine, an amino acid with similar properties. This amino acid position is highly conserved in available vertebrate species. In addition, this alteration is predicted to be deleterious by in silico analysis. Since supporting evidence is limited at this time, the clinical significance of this alteration remains unclear.

GeneDx
Classification: Uncertain significance. Last evaluated: 2025-06-13. Review status: criteria provided, single submitter. Criteria: GeneDx Variant Classification Process June 2021. Collection method: clinical testing. Allele origin: germline. Affected: yes.
Comment: Not observed at significant frequency in large population cohorts (gnomAD); In silico analysis supports that this missense variant has a deleterious effect on protein structure/function; Has not been previously published as pathogenic or benign to our knowledge; This variant is associated with the following publications: (PMID: 14633923)

Labcorp Genetics (formerly Invitae), Labcorp
Classification: Uncertain significance for Multiple endocrine neoplasia, type 2. Last evaluated: 2025-02-04. Review status: criteria provided, single submitter. Criteria: Invitae Variant Classification Sherloc (09022015). Collection method: clinical testing. Allele origin: germline.
Comment: This sequence change replaces alanine, which is neutral and non-polar, with valine, which is neutral and non-polar, at codon 793 of the RET protein (p.Ala793Val). This variant is not present in population databases (gnomAD no frequency). This variant has not been reported in the literature in individuals affected with RET-related conditions. ClinVar contains an entry for this variant (Variation ID: 477346). An algorithm developed to predict the effect of missense changes on protein structure and function (PolyPhen-2) suggests that this variant is likely to be disruptive. In summary, the available evidence is currently insufficient to determine the role of this variant in disease. Therefore, it has been classified as a Variant of Uncertain Significance.

NM_020975.6(RET):c.2378C>T (p.Ala793Val)

Gene: RET (ret proto-oncogene; plus strand). Cytogenetic location: 10q11.21.
Variant type: single nucleotide variant.
Coding change: c.2378C>T on transcript NM_020975.6 (MANE Select); coding-DNA position 2378, C replaced by T.
Protein change: p.Ala793Val; replaces alanine 793 with valine.
Molecular consequence: missense variant.
Genome position (GRCh38, 1-based): chr10:43,118,466, C>T. VCF-style: chr10-43118466-C-T. GRCh37 (hg19) VCF-style: chr10-43613914-C-T.
Other names: c.2378C>T, p.Ala793Val (NM_000323.2, NM_001406743.1, NM_001406744.1 and 4 more transcripts); c.1616C>T, p.Ala539Val (NM_001355216.2); c.2249C>T, p.Ala750Val (NM_001406761.1, NM_001406762.1, NM_001406764.1); c.2243C>T, p.Ala748Val (NM_001406763.1, NM_001406765.1); c.2090C>T, p.Ala697Val (NM_001406766.1, NM_001406767.1, NM_001406770.1); c.2114C>T, p.Ala705Val (NM_001406768.1); c.1982C>T, p.Ala661Val (NM_001406769.1, NM_001406772.1); c.1940C>T, p.Ala647Val (NM_001406771.1, NM_001406773.1); and 10 more; short protein forms A793V, A539V, A310V, A398V, A449V, A618V, A647V, A661V.
Identifiers: ClinVar variation 477346 (VCV000477346.16), dbSNP rs1554819410, ClinGen allele CA376555898.